The following is an entry in ClinVar:

ClinVar aggregate classification (germline): Conflicting classifications of pathogenicity. Review status: criteria provided, conflicting classifications (1 of 4 stars). 6 submissions from 6 submitters: Uncertain significance (2); Likely benign (2). 2 of the submissions do not count toward it. Last evaluated 2024-11-27.

Conditions:
CDHR1-related disorder. Also called: CDHR1-related condition.
Cone-rod dystrophy 15 (CORD15). Identifiers: MedGen C3150912, MONDO:0013348, OMIM 613660.

Allele frequency attached by ClinVar (database versions not stated): ESP Exome Variant Server 0.00008; gnomAD 0.00009 and 0.00010; TOPMed 0.00011; 1000 Genomes Project 30x 0.00016; 1000 Genomes Project 0.00020.

Submissions (6):

PreventionGenetics, part of Exact Sciences
Classification: Likely benign for CDHR1-related condition. Last evaluated: 2024-11-27. Review status: criteria provided, single submitter. Criteria: ACMG Guidelines, 2015. Collection method: clinical testing. Allele origin: germline.
Comment: This variant is classified as likely benign based on ACMG/AMP sequence variant interpretation guidelines (Richards et al. 2015 PMID: 25741868, with internal and published modifications).

Blueprint Genetics
Classification: Likely benign. Last evaluated: 2024-10-25. Review status: criteria provided, single submitter. Criteria: ACMG Guidelines, 2015. Collection method: clinical testing. Allele origin: germline.

Labcorp Genetics (formerly Invitae), Labcorp
Classification: Uncertain significance. Last evaluated: 2023-08-17. Review status: criteria provided, single submitter. Criteria: Invitae Variant Classification Sherloc (09022015). Collection method: clinical testing. Allele origin: germline.
Comment: In summary, the available evidence is currently insufficient to determine the role of this variant in disease. Therefore, it has been classified as a Variant of Uncertain Significance. Variants that disrupt the consensus splice site are a relatively common cause of aberrant splicing (PMID: 17576681, 9536098). Algorithms developed to predict the effect of sequence changes on RNA splicing suggest that this variant may create or strengthen a splice site. ClinVar contains an entry for this variant (Variation ID: 859639). This variant has not been reported in the literature in individuals affected with CDHR1-related conditions. This variant is present in population databases (rs201384219, gnomAD 0.02%). This sequence change falls in intron 8 of the CDHR1 gene. It does not directly change the encoded amino acid sequence of the CDHR1 protein. It affects a nucleotide within the consensus splice site.

Fulgent Genetics
Classification: Uncertain significance for Cone-rod dystrophy 15. Last evaluated: 2021-08-18. Review status: criteria provided, single submitter. Criteria: ACMG Guidelines, 2015. Collection method: clinical testing. Allele origin: unknown.

Clinical Genetics DNA and cytogenetics Diagnostics Lab, Erasmus MC, Erasmus Medical Center
Classification: Likely benign. Review status: no assertion criteria provided. Collection method: clinical testing. Allele origin: germline. Affected: yes. Study: VKGL Data-share Consensus. Not counted in ClinVar's aggregate classification.

Clinical Genetics, Academic Medical Center
Classification: Likely benign. Review status: no assertion criteria provided. Collection method: clinical testing. Allele origin: germline. Affected: yes. Study: VKGL Data-share Consensus. Not counted in ClinVar's aggregate classification.

Literature cited by the submitters: PubMed 17576681 (cited by Labcorp Genetics (formerly Invitae), Labcorp); PubMed 9536098 (cited by Labcorp Genetics (formerly Invitae), Labcorp).

NM_033100.4(CDHR1):c.784-3G>A

Gene: CDHR1 (cadherin related family member 1; plus strand). Cytogenetic location: 10q23.1.
Variant type: single nucleotide variant.
Coding change: c.784-3G>A on transcript NM_033100.4 (MANE Select); 3 bases into the intron before coding-DNA position 784, G replaced by A.
Molecular consequence: intron variant.
Genome position (GRCh38, 1-based): chr10:84,204,524, G>A. VCF-style: chr10-84204524-G-A. GRCh37 (hg19) VCF-style: chr10-85964280-G-A.
Other names: c.784-3G>A (NM_001171971.3).
Identifiers: ClinVar variation 859639 (VCV000859639.14), dbSNP rs201384219, ClinGen allele CA5579705.